The following is an entry in ClinVar:

ClinVar aggregate classification (germline): Uncertain significance (1 of 4 stars; one submission).

Conditions:
Intellectual disability, autosomal recessive 53 (NEDHSCA). Also called: NEURODEVELOPMENTAL DISORDER WITH OR WITHOUT HYPOTONIA, SEIZURES, AND CEREBELLAR ATROPHY; GLYCOSYLPHOSPHATIDYLINOSITOL BIOSYNTHESIS DEFECT 13; Mental retardation, autosomal recessive 53. Identifiers: Orphanet 488635, MedGen C4310794, MONDO:0014832, OMIM 616917.

Submission:

Labcorp Genetics (formerly Invitae), Labcorp
Classification: Uncertain significance for Intellectual disability, autosomal recessive 53. Last evaluated: 2022-03-12. Review status: criteria provided, single submitter. Criteria: Invitae Variant Classification Sherloc (09022015). Collection method: clinical testing. Allele origin: germline.
Comment: This sequence change replaces cysteine, which is neutral and slightly polar, with tryptophan, which is neutral and slightly polar, at codon 922 of the PIGG protein (p.Cys922Trp). This variant is not present in population databases (gnomAD no frequency). This variant has not been reported in the literature in individuals affected with PIGG-related conditions. Algorithms developed to predict the effect of missense changes on protein structure and function are either unavailable or do not agree on the potential impact of this missense change (SIFT: "Deleterious"; PolyPhen-2: "Probably Damaging"; Align-GVGD: "Class C0"). In summary, the available evidence is currently insufficient to determine the role of this variant in disease. Therefore, it has been classified as a Variant of Uncertain Significance.

NM_001127178.3(PIGG):c.2766C>G (p.Cys922Trp)

Gene: PIGG (phosphatidylinositol glycan anchor biosynthesis class G (EMM blood group); plus strand). Cytogenetic location: 4p16.3.
Variant type: single nucleotide variant.
Coding change: c.2766C>G on transcript NM_001127178.3 (MANE Select); coding-DNA position 2766, C replaced by G.
Protein change: p.Cys922Trp; replaces cysteine 922 with tryptophan.
Molecular consequence: missense variant. On other transcripts: non-coding transcript variant (10).
Genome position (GRCh38, 1-based): chr4:539,183, C>G. VCF-style: chr4-539183-C-G. GRCh37 (hg19) VCF-style: chr4-532972-C-G.
Other names: c.2499C>G, p.Cys833Trp (NM_001345986.2, NM_001289051.2); c.2475C>G, p.Cys825Trp (NM_001345987.2); c.1737C>G, p.Cys579Trp (NM_001345988.2); c.1233C>G, p.Cys411Trp (NM_001345990.2, NM_001345991.2); c.1668C>G, p.Cys556Trp (NM_001345994.2); c.2742C>G, p.Cys914Trp (NM_017733.5); c.2367C>G, p.Cys789Trp (NM_001289052.2); short protein forms C579W, C922W, C411W, C789W, C833W, C556W, C914W, C825W.
Identifiers: ClinVar variation 2110279 (VCV002110279.4), dbSNP rs1383238846, ClinGen allele CA355913120.